The following is an entry in ClinVar:

NM_002291.3(LAMB1):c.1864G>A (p.Asp622Asn)

Gene: LAMB1 (laminin subunit beta 1; minus strand). Cytogenetic location: 7q31.1.
Variant type: single nucleotide variant.
Coding change: c.1864G>A on transcript NM_002291.3 (MANE Select); coding-DNA position 1864, G replaced by A.
Protein change: p.Asp622Asn; replaces aspartic acid 622 with asparagine.
Molecular consequence: missense variant.
Genome position (GRCh38, 1-based): chr7:107,961,670, C>T on the plus strand (G>A on the coding strand, the complement: LAMB1 is on the minus strand). VCF-style: chr7-107961670-C-T. GRCh37 (hg19) VCF-style: chr7-107602115-C-T.
Other names: short protein forms D622N.
Identifiers: ClinVar variation 1313058 (VCV001313058.4), dbSNP rs765775010, ClinGen allele CA4435842.

ClinVar aggregate classification (germline): Uncertain significance. Review status: criteria provided, single submitter (1 of 4 stars). 2 submissions from 2 submitters: Uncertain significance (1). 1 of the submissions does not count toward it. Last evaluated 2020-07-09.

Conditions:
LAMB1-related disorder. Also called: LAMB1-related condition.

Allele frequency attached by ClinVar (database versions not stated): ExAC 0.00001; gnomAD 0.00001; gnomAD exomes 0.00001 and 0.00002; TOPMed 0.00001.
gnomAD v4.1: 21 of 1,612,808 alleles (0.0013%); highest among the groups gnomAD compares: Middle Eastern, 0.016%; no homozygotes.

Submissions (2):

GeneDx
Classification: Uncertain significance. Last evaluated: 2020-07-09. Review status: criteria provided, single submitter. Criteria: GeneDx Variant Classification Process June 2021. Collection method: clinical testing. Allele origin: germline. Affected: yes.
Comment: Not observed at a significant frequency in large population cohorts (Lek et al., 2016); In silico analysis supports that this missense variant does not alter protein structure/function; Has not been previously published as pathogenic or benign to our knowledge

PreventionGenetics, part of Exact Sciences
Classification: Uncertain significance for LAMB1-related condition. Last evaluated: 2023-11-10. Review status: no assertion criteria provided. Collection method: clinical testing. Allele origin: germline. Not counted in ClinVar's aggregate classification.
Comment: The LAMB1 c.1864G>A variant is predicted to result in the amino acid substitution p.Asp622Asn. To our knowledge, this variant has not been reported in the literature. This variant is reported in 0.0054% of alleles in individuals of East Asian descent in gnomAD. At this time, the clinical significance of this variant is uncertain due to the absence of conclusive functional and genetic evidence.